The following is an entry in ClinVar:

ClinVar aggregate classification (germline): Uncertain significance (1 of 4 stars; one submission).

Allele frequency attached by ClinVar (database versions not stated): gnomAD exomes 0.00008; gnomAD 0.00011; 1000 Genomes Project 30x 0.00016; TOPMed 0.00026; ExAC 0.00040.

Submission:

Women's Health and Genetics/Laboratory Corporation of America, LabCorp
Classification: Uncertain significance. Last evaluated: 2023-02-16. Review status: criteria provided, single submitter. Criteria: LabCorp Variant Classification Summary - May 2015. Collection method: clinical testing. Allele origin: germline.
Comment: Variant summary: CYP21A2 c.601A>G (p.Thr201Ala) results in a non-conservative amino acid change in the encoded protein sequence. Four of five in-silico tools predict a benign effect of the variant on protein function. The variant allele was found at a frequency of 0.0005 in 188404 control chromosomes. This frequency is not significantly higher than estimated for a pathogenic variant in CYP21A2 causing Congenital Adrenal Hyperplasia (0.002), allowing no conclusion about variant significance. To our knowledge, no occurrence of c.601A>G in individuals affected with Congenital Adrenal Hyperplasia and no experimental evidence demonstrating its impact on protein function have been reported. No submitters have provided clinical-significance assessments for this variant to ClinVar after 2014. Based on the evidence outlined above, the variant was classified as uncertain significance.

NM_000500.9(CYP21A2):c.601A>G (p.Thr201Ala)

Genes: CYP21A2 (cytochrome P450 family 21 subfamily A member 2; plus strand), LOC106780800 (CYP21A2 recombination region; plus strand). Cytogenetic location: 6p21.33.
Variant type: single nucleotide variant.
Coding change: c.601A>G on transcript NM_000500.9 (MANE Select); coding-DNA position 601, A replaced by G.
Protein change: p.Thr201Ala; replaces threonine 201 with alanine.
Molecular consequence: missense variant.
Genome position (GRCh38, 1-based): chr6:32,039,597, A>G. VCF-style: chr6-32039597-A-G. GRCh37 (hg19) VCF-style: chr6-32007374-A-G.
Other names: c.511A>G, p.Thr171Ala (NM_001128590.4); c.196A>G, p.Thr66Ala (NM_001368143.2, NM_001368144.2); c.601A>G (NM_000500.7); short protein forms T171A, T201A, T66A.
Identifiers: ClinVar variation 2445875 (VCV002445875.1), dbSNP rs760425681, ClinGen allele CA3732448.